The following is an entry in ClinVar:

NM_004453.4(ETFDH):c.1345T>C (p.Tyr449His)

Gene: ETFDH (electron transfer flavoprotein dehydrogenase; plus strand). Cytogenetic location: 4q32.1.
Variant type: single nucleotide variant.
Coding change: c.1345T>C on transcript NM_004453.4 (MANE Select); coding-DNA position 1345, T replaced by C.
Protein change: p.Tyr449His; replaces tyrosine 449 with histidine.
Molecular consequence: missense variant.
Genome position (GRCh38, 1-based): chr4:158,706,248, T>C. VCF-style: chr4-158706248-T-C. GRCh37 (hg19) VCF-style: chr4-159627400-T-C.
Other names: c.1345T>C (NM_004453.2); c.1204T>C, p.Tyr402His (NM_001281737.2); c.1162T>C, p.Tyr388His (NM_001281738.1); short protein forms Y388H, Y402H, Y449H.
Identifiers: ClinVar variation 990936 (VCV000990936.5), dbSNP rs750799644, ClinGen allele CA3122606.

ClinVar aggregate classification (germline): Uncertain significance. Review status: criteria provided, multiple submitters, no conflicts (2 of 4 stars). 3 submissions from 3 submitters: Uncertain significance (2). 1 of the submissions does not count toward it. Last evaluated 2025-10-22.

Conditions:
Multiple acyl-CoA dehydrogenase deficiency (MADD). Also called: Glutaric acidemia type II; GA 2; ETHYLMALONIC-ADIPICACIDURIA; GA II; Glutaric aciduria, type 2; Glutaric Acidemia type 2. Identifiers: Orphanet 26791, MedGen C0268596, MONDO:0009282, OMIM 231680.

Allele frequency attached by ClinVar (database versions not stated): gnomAD 0.00001; gnomAD exomes 0.00001 and 0.00007; TOPMed 0.00003; ExAC 0.00004.

Submissions (3):

Labcorp Genetics (formerly Invitae), Labcorp
Classification: Uncertain significance for Multiple acyl-CoA dehydrogenase deficiency. Last evaluated: 2025-10-22. Review status: criteria provided, single submitter. Criteria: Invitae Variant Classification Sherloc (09022015). Collection method: clinical testing. Allele origin: germline.
Comment: This sequence change replaces tyrosine, which is neutral and polar, with histidine, which is basic and polar, at codon 449 of the ETFDH protein (p.Tyr449His). This variant is present in population databases (rs750799644, gnomAD 0.05%). This variant has not been reported in the literature in individuals affected with ETFDH-related conditions. ClinVar contains an entry for this variant (Variation ID: 990936). Invitae Evidence Modeling of protein sequence and biophysical properties (such as structural, functional, and spatial information, amino acid conservation, physicochemical variation, residue mobility, and thermodynamic stability) indicates that this missense variant is not expected to disrupt ETFDH protein function with a negative predictive value of 80%. In summary, the available evidence is currently insufficient to determine the role of this variant in disease. Therefore, it has been classified as a Variant of Uncertain Significance.

GeneDx
Classification: Uncertain significance. Last evaluated: 2025-07-08. Review status: criteria provided, single submitter. Criteria: GeneDx Variant Classification Process June 2021. Collection method: clinical testing. Allele origin: germline. Affected: yes.
Comment: In silico analysis suggests that this missense variant does not alter protein structure/function; Has not been previously published as pathogenic or benign to our knowledge

Natera, Inc.
Classification: Uncertain significance for Glutaric aciduria type 2. Last evaluated: 2020-04-21. Review status: no assertion criteria provided. Collection method: clinical testing. Allele origin: germline. Not counted in ClinVar's aggregate classification.